The following is an entry in ClinVar:

ClinVar aggregate classification (germline): Uncertain significance (1 of 4 stars; one submission).

gnomAD v4.1: 1 of 1,613,850 alleles (0.000062%); highest among the groups gnomAD compares: East Asian, 0.0022%; no homozygotes.

Submission:

Labcorp Genetics (formerly Invitae), Labcorp
Classification: Uncertain significance. Last evaluated: 2025-04-22. Review status: criteria provided, single submitter. Criteria: Invitae Variant Classification Sherloc (09022015). Collection method: clinical testing. Allele origin: germline.
Comment: This sequence change replaces valine, which is neutral and non-polar, with methionine, which is neutral and non-polar, at codon 1366 of the MYH9 protein (p.Val1366Met). This variant is present in population databases (no rsID available, gnomAD 0.006%). This variant has not been reported in the literature in individuals affected with MYH9-related conditions. An algorithm developed to predict the effect of missense changes on protein structure and function outputs the following: PolyPhen-2: "Benign". The methionine amino acid residue is found in multiple mammalian species, which suggests that this missense change does not adversely affect protein function. In summary, the available evidence is currently insufficient to determine the role of this variant in disease. Therefore, it has been classified as a Variant of Uncertain Significance.

NM_002473.6(MYH9):c.4096G>A (p.Val1366Met)

Gene: MYH9 (myosin heavy chain 9; minus strand). Cytogenetic location: 22q12.3.
Variant type: single nucleotide variant.
Coding change: c.4096G>A on transcript NM_002473.6 (MANE Select); coding-DNA position 4096, G replaced by A.
Protein change: p.Val1366Met; replaces valine 1366 with methionine.
Molecular consequence: missense variant.
Genome position (GRCh38, 1-based): chr22:36,292,234, C>T on the plus strand (G>A on the coding strand, the complement: MYH9 is on the minus strand). VCF-style: chr22-36292234-C-T. GRCh37 (hg19) VCF-style: chr22-36688280-C-T.
Other names: short protein forms V1366M.
Identifiers: ClinVar variation 4749638 (VCV004749638.1).
Genomic context (GRCh38, chr22:36,292,234, plus strand): 5'-CCTCCTCAGCAGTTTCCAGGCACCCCACACTGTCCTCCATCTTCTTTTTCATGTCGGCCA[C>T]CTGGGCAGGAGCAAGGAGTAAGCAGATGCCCGAGATGGCACCTGCTCAGGTGGCACACCC-3'
Protein context (NP_002464.1, residues 1356-1376): EKQIATLHAQ[Val1366Met]ADMKKKMEDS